The following is an entry in ClinVar:

ClinVar aggregate classification (germline): Uncertain significance (1 of 4 stars; one submission).

Conditions:
Autosomal dominant hypocalcemia 1 (HYPOC1). Also called: HYPOCALCEMIA, FAMILIAL. Identifiers: MedGen C3715128, MONDO:0011013, OMIM 601198.
Familial hypocalciuric hypercalcemia (FHH). Also called: Familial benign hypercalcemia. Identifiers: Orphanet 405, MedGen C1809471, MONDO:0018458.

Submission:

Labcorp Genetics (formerly Invitae), Labcorp
Classification: Uncertain significance for Familial hypocalciuric hypercalcemia; Autosomal dominant hypocalcemia 1. Last evaluated: 2025-03-17. Review status: criteria provided, single submitter. Criteria: Invitae Variant Classification Sherloc (09022015). Collection method: clinical testing. Allele origin: germline.
Comment: This sequence change replaces glycine, which is neutral and non-polar, with valine, which is neutral and non-polar, at codon 146 of the CASR protein (p.Gly146Val). This variant is not present in population databases (gnomAD no frequency). This variant has not been reported in the literature in individuals affected with CASR-related conditions. An algorithm developed to predict the effect of missense changes on protein structure and function (PolyPhen-2) suggests that this variant is likely to be disruptive. In summary, the available evidence is currently insufficient to determine the role of this variant in disease. Therefore, it has been classified as a Variant of Uncertain Significance.

NM_000388.4(CASR):c.437G>T (p.Gly146Val)

Gene: CASR (calcium sensing receptor; plus strand). Cytogenetic location: 3q21.1.
Variant type: single nucleotide variant.
Coding change: c.437G>T on transcript NM_000388.4 (MANE Select); coding-DNA position 437, G replaced by T.
Protein change: p.Gly146Val; replaces glycine 146 with valine.
Molecular consequence: missense variant.
Genome position (GRCh38, 1-based): chr3:122,257,332, G>T. VCF-style: chr3-122257332-G-T. GRCh37 (hg19) VCF-style: chr3-121976179-G-T.
Other names: c.437G>T, p.Gly146Val (NM_001178065.2); short protein forms G146V.
Identifiers: ClinVar variation 4784456 (VCV004784456.1).